The following is an entry in ClinVar:

NM_000359.3(TGM1):c.844C>T (p.Gln282Ter)

Gene: TGM1 (transglutaminase 1; minus strand). Cytogenetic location: 14q12.
Variant type: single nucleotide variant.
Coding change: c.844C>T on transcript NM_000359.3 (MANE Select); coding-DNA position 844, C replaced by T.
Protein change: p.Gln282Ter; replaces glutamine 282 with a stop codon.
Molecular consequence: nonsense.
Genome position (GRCh38, 1-based): chr14:24,259,972, G>A on the plus strand (C>T on the coding strand, the complement: TGM1 is on the minus strand). VCF-style: chr14-24259972-G-A. GRCh37 (hg19) VCF-style: chr14-24729178-G-A.
Other names: short protein forms Q282*.
Identifiers: ClinVar variation 1339202 (VCV001339202.8), dbSNP rs2139025289, ClinGen allele CA389269840.

ClinVar aggregate classification (germline): Pathogenic/Likely pathogenic. Review status: criteria provided, multiple submitters, no conflicts (2 of 4 stars). 3 submissions from 3 submitters: Pathogenic (2); Likely pathogenic (1). Last evaluated 2024-11-15.

Conditions:
Autosomal recessive congenital ichthyosis 1 (LI1). Also called: ICHTHYOSIS, CONGENITAL, AUTOSOMAL RECESSIVE 1, WITH OR WITHOUT BATHING SUIT DISTRIBUTION; ICHTHYOSIS, CONGENITAL, AUTOSOMAL RECESSIVE 1, WITH BATHING SUIT DISTRIBUTION; COLLODION FETUS; DESQUAMATION OF NEWBORN; ICHTHYOSIS CONGENITA; ICHTHYOSIS CONGENITA II. Identifiers: MedGen C4551630, MONDO:0009441, OMIM 242300.

Submissions (3):

Myriad Genetics, Inc.
Classification: Pathogenic for Autosomal recessive congenital ichthyosis 1. Last evaluated: 2024-11-15. Review status: criteria provided, single submitter. Criteria: Myriad Autosomal Dominant, Autosomal Recessive and X-Linked Classification Criteria (2023). Collection method: clinical testing. Allele origin: unknown.
Comment: NM_000359.2(TGM1):c.844C>T(Q282*) is expected to be pathogenic in the context of TGM1-related autosomal recessive congenital ichthyosis. This variant is predicted to lead to an abnormal or absent protein product due to the creation of a premature termination codon in TGM1, a gene where loss-of-function variants are known to be pathogenic. Please note: this variant was assessed in the context of healthy population screening.

Labcorp Genetics (formerly Invitae), Labcorp
Classification: Pathogenic. Last evaluated: 2022-01-22. Review status: criteria provided, single submitter. Criteria: Invitae Variant Classification Sherloc (09022015). Collection method: clinical testing. Allele origin: germline.
Comment: This variant is not present in population databases (gnomAD no frequency). For these reasons, this variant has been classified as Pathogenic. This variant has not been reported in the literature in individuals affected with TGM1-related conditions. This sequence change creates a premature translational stop signal (p.Gln282*) in the TGM1 gene. It is expected to result in an absent or disrupted protein product. Loss-of-function variants in TGM1 are known to be pathogenic (PMID: 18948357, 19241467).

Neuberg Centre For Genomic Medicine, NCGM
Classification: Likely pathogenic for Autosomal recessive congenital ichthyosis 1. Review status: criteria provided, single submitter. Criteria: ACMG Guidelines, 2015. Collection method: clinical testing. Allele origin: germline. Affected: yes.
Comment: The stop gained p.Q282* in TGM1 (NM_000359.3) has not been reported previously as a pathogenic variant nor as a benign variant, to our knowledge. The p.Q282* variant is novel (not in any individuals) in gnomAD Exomes and is novel (not in any individuals) in 1000 Genomes. This variant is predicted to cause loss of normal protein function through protein truncation. For these reasons, this variant has been classified as Likely Pathogenic.

Literature cited by the submitters: PubMed 18948357 (cited by Labcorp Genetics (formerly Invitae), Labcorp); PubMed 19241467 (cited by Labcorp Genetics (formerly Invitae), Labcorp).